The following is an entry in ClinVar:

NM_001035.3(RYR2):c.8009G>C (p.Ser2670Thr)

Gene: RYR2 (ryanodine receptor 2; plus strand). Cytogenetic location: 1q43.
Variant type: single nucleotide variant.
Coding change: c.8009G>C on transcript NM_001035.3 (MANE Select); coding-DNA position 8009, G replaced by C.
Protein change: p.Ser2670Thr; replaces serine 2670 with threonine.
Molecular consequence: missense variant.
Genome position (GRCh38, 1-based): chr1:237,655,864, G>C. VCF-style: chr1-237655864-G-C. GRCh37 (hg19) VCF-style: chr1-237819164-G-C.
Other names: short protein forms S2670T.
Identifiers: ClinVar variation 3072935 (VCV003072935.1), dbSNP rs2547083026, ClinGen allele CA345400818.
Genomic context (GRCh38, chr1:237,655,864, plus strand): 5'-TCCTCCATTTTTCCCAGAAATATGAACAAGAACTTTTCAAACTGGCACTGCCTTGCCTGA[G>C]TGCAGTTGCGGGAGCTTTGCCTCCAGACTACATGGAGTCAAATTATGTCAGTATGATGGA-3'
Protein context (NP_001026.2, residues 2660-2680): ELFKLALPCL[Ser2670Thr]AVAGALPPDY

ClinVar aggregate classification (germline): Uncertain significance (1 of 4 stars; one submission).

Conditions:
Catecholaminergic polymorphic ventricular tachycardia (CVPT). Also called: Catecholamine-induced polymorphic ventricular tachycardia. Identifiers: Orphanet 3286, MedGen C5574922, MONDO:0017990.

Allele frequency attached by ClinVar (database versions not stated): gnomAD exomes below 0.00001.
gnomAD v4.1: 1 of 1,608,744 alleles (0.000062%); highest among the groups gnomAD compares: Non-Finnish European, 0.000085%; no homozygotes.

Submission:

All of Us Research Program, National Institutes of Health
Classification: Uncertain significance for Catecholaminergic polymorphic ventricular tachycardia. Last evaluated: 2023-08-15. Review status: criteria provided, single submitter. Criteria: ACMG Guidelines, 2015. Collection method: clinical testing. Allele origin: germline. Inheritance: Autosomal dominant inheritance. Observed: 1 variant allele, 1 heterozygote.
Comment: This missense variant replaces serine with threonine at codon 2670 of the RYR2 protein. Computational prediction suggests that this variant may not impact protein structure and function (internally defined REVEL score threshold <= 0.5, PMID: 27666373). To our knowledge, functional studies have not been reported for this variant. This variant has not been reported in individuals affected with RYR2-related disorders in the literature. This variant has not been identified in the general population by the Genome Aggregation Database (gnomAD). The available evidence is insufficient to determine the role of this variant in disease conclusively. Therefore, this variant is classified as a Variant of Uncertain Significance.

This study involves interpretation of variants in research participants for the purpose of population health screening. Participant phenotype was not available at the time of variant classification. Additional details can be found in publication PMID: 35346344, PMCID: PMC8962531